The following is an entry in ClinVar:

NM_016341.4(PLCE1):c.810T>C (p.Cys270=)

Gene: PLCE1 (phospholipase C epsilon 1; plus strand). Cytogenetic location: 10q23.33.
Variant type: single nucleotide variant.
Coding change: c.810T>C on transcript NM_016341.4 (MANE Select); coding-DNA position 810, T replaced by C.
Protein change: p.Cys270=; no amino-acid change (cysteine 270 retained).
Molecular consequence: synonymous variant.
Genome position (GRCh38, 1-based): chr10:94,031,856, T>C. VCF-style: chr10-94031856-T-C. GRCh37 (hg19) VCF-style: chr10-95791613-T-C.
Other names: p.Cys270=; c.810T>C, p.Cys270= (NM_001288989.2).
Identifiers: ClinVar variation 260733 (VCV000260733.24), dbSNP rs17109671, ClinGen allele CA5612177.
Genomic context (GRCh38, chr10:94,031,856, plus strand): 5'-GCTGCAGTGTGATCATTGTGACACCTTGAATGATAAATACTTTTGCTTTGAAGGCTCTTG[T>C]GAGAAGGTTGACATGGTATATTCAGGTGATAGCTTTTGTAGGAAAGACTTTACTGACAGT-3'
Protein context (NP_057425.3, residues 260-280): NDKYFCFEGS[Cys270=]EKVDMVYSGD

ClinVar aggregate classification (germline): Benign. Review status: criteria provided, multiple submitters, no conflicts (2 of 4 stars). 12 submissions from 12 submitters: Benign (10). 2 of the submissions do not count toward it. Last evaluated 2026-02-01.

Conditions:
Nephrotic syndrome, type 3 (NPHS3). Also called: NEPHROTIC SYNDROME, EARLY-ONSET, TYPE 3. Identifiers: Orphanet 656, MedGen C1853124, MONDO:0012546, OMIM 610725.

Allele frequency attached by ClinVar (database versions not stated): gnomAD exomes 0.28401 and 0.31022; ExAC 0.31970; ESP Exome Variant Server 0.39654; gnomAD 0.40238 and 0.40626; TOPMed 0.41419; 1000 Genomes Project 30x 0.45768; 1000 Genomes Project 0.46046.
gnomAD v4.1: 477,678 of 1,613,324 alleles (30%); highest among the groups gnomAD compares: African/African-American, 72%; 79,954 homozygotes.

Submissions (12):

Labcorp Genetics (formerly Invitae), Labcorp
Classification: Benign. Last evaluated: 2026-02-01. Review status: criteria provided, single submitter. Criteria: Invitae Variant Classification Sherloc (09022015). Collection method: clinical testing. Allele origin: germline.

Blueprint Genetics
Classification: Benign. Last evaluated: 2024-11-27. Review status: criteria provided, single submitter. Criteria: ACMG Guidelines, 2015. Collection method: clinical testing. Allele origin: germline.

Unidad de Genómica Garrahan, Hospital de Pediatría Garrahan
Classification: Benign. Last evaluated: 2024-07-15. Review status: criteria provided, single submitter. Criteria: ACMG Guidelines, 2015. Collection method: clinical testing. Allele origin: germline. Affected: no. Observed: 37 variant alleles.
Comment: This variant is classified as Benign based on local population frequency. This variant was detected in 40% of patients studied in a panel designed for Epileptic and Developmental Encephalopathy and Progressive Myoclonus Epilepsy. Number of patients: 37. Only high quality variants are reported.

Mayo Clinic Laboratories, Mayo Clinic
Classification: Benign. Last evaluated: 2022-03-09. Review status: criteria provided, single submitter. Criteria: ACMG Guidelines, 2015. Collection method: clinical testing. Allele origin: germline. Observed: 89 variant alleles.

GeneDx
Classification: Benign. Last evaluated: 2018-11-12. Review status: criteria provided, single submitter. Criteria: GeneDx Variant Classification Process June 2021. Collection method: clinical testing. Allele origin: germline. Affected: yes.

Illumina Laboratory Services, Illumina
Classification: Benign for Nephrotic syndrome, type 3. Last evaluated: 2018-01-13. Review status: criteria provided, single submitter. Criteria: ICSL Variant Classification Criteria 13 December 2019. Collection method: clinical testing. Allele origin: germline.
Comment: This variant was observed in the ICSL laboratory as part of a predisposition screen in an ostensibly healthy population. It had not been previously curated by ICSL or reported in the Human Gene Mutation Database (HGMD: prior to June 1st, 2018), and was therefore a candidate for classification through an automated scoring system. Utilizing variant allele frequency, disease prevalence and penetrance estimates, and inheritance mode, an automated score was calculated to assess if this variant is too frequent to cause the disease. Based on the score and internal cut-off values, a variant classified as benign is not then subjected to further curation. The score for this variant resulted in a classification of benign for this disease.

Genome Diagnostics Laboratory, University Medical Center Utrecht
Classification: Benign for Nephrotic syndrome, type 3. Last evaluated: 2017-07-28. Review status: criteria provided, single submitter. Criteria: ACGS Guidelines, 2013. Collection method: clinical testing. Allele origin: germline. Affected: yes. Study: VKGL Data-share Consensus.

Athena Diagnostics
Classification: Benign. Last evaluated: 2017-03-31. Review status: criteria provided, single submitter. Criteria: Athena Diagnostics Criteria. Collection method: clinical testing. Allele origin: germline.

Breakthrough Genomics
Classification: Benign. Review status: criteria provided, single submitter. Criteria: ACMG Guidelines, 2015. Collection method: not provided. Allele origin: germline. Inheritance: Autosomal recessive inheritance. Affected: yes.

PreventionGenetics, part of Exact Sciences
Classification: Benign. Review status: criteria provided, single submitter. Criteria: ACMG Guidelines, 2015. Collection method: clinical testing. Allele origin: germline.

Diagnostic Laboratory, Department of Genetics, University Medical Center Groningen
Classification: Benign for Nephrotic syndrome, type 3. Review status: no assertion criteria provided. Collection method: clinical testing. Allele origin: germline. Affected: yes. Study: VKGL Data-share Consensus. Not counted in ClinVar's aggregate classification.

Joint Genome Diagnostic Labs from Nijmegen and Maastricht, Radboudumc and MUMC+
Classification: Benign. Review status: no assertion criteria provided. Collection method: clinical testing. Allele origin: germline. Affected: yes. Study: VKGL Data-share Consensus. Not counted in ClinVar's aggregate classification.